The following is an entry in ClinVar:

NM_001482.3(GATM):c.688C>T (p.His230Tyr)

Gene: GATM (glycine amidinotransferase; minus strand). Cytogenetic location: 15q21.1.
Variant type: single nucleotide variant.
Coding change: c.688C>T on transcript NM_001482.3 (MANE Select); coding-DNA position 688, C replaced by T.
Protein change: p.His230Tyr; replaces histidine 230 with tyrosine.
Molecular consequence: missense variant.
Genome position (GRCh38, 1-based): chr15:45,366,496, G>A on the plus strand (C>T on the coding strand, the complement: GATM is on the minus strand). VCF-style: chr15-45366496-G-A. GRCh37 (hg19) VCF-style: chr15-45658694-G-A.
Other names: c.301C>T, p.His101Tyr (NM_001321015.2); short protein forms H101Y, H230Y.
Identifiers: ClinVar variation 1914581 (VCV001914581.5), dbSNP rs2541989251, ClinGen allele CA392259416.

ClinVar aggregate classification (germline): Uncertain significance (1 of 4 stars; one submission).

Conditions:
Arginine:glycine amidinotransferase deficiency (CCDS3). Also called: L-Arginine:Glycine Amidinotransferase Deficiency; L-Arginine:Glycine Amidinotransferase (AGAT) Deficiency; Cerebral creatine deficiency syndrome 3; AGAT deficiency; Creatine deficiency syndrome due to AGAT deficiency; GATM deficiency. Identifiers: Orphanet 35704, MedGen C2675179, MONDO:0012996, OMIM 612718.

Submission:

Labcorp Genetics (formerly Invitae), Labcorp
Classification: Uncertain significance for Arginine:glycine amidinotransferase deficiency. Last evaluated: 2024-02-24. Review status: criteria provided, single submitter. Criteria: Invitae Variant Classification Sherloc (09022015). Collection method: clinical testing. Allele origin: germline.
Comment: This sequence change replaces histidine, which is basic and polar, with tyrosine, which is neutral and polar, at codon 230 of the GATM protein (p.His230Tyr). This variant is not present in population databases (gnomAD no frequency). This variant has not been reported in the literature in individuals affected with GATM-related conditions. ClinVar contains an entry for this variant (Variation ID: 1914581). Advanced modeling of protein sequence and biophysical properties (such as structural, functional, and spatial information, amino acid conservation, physicochemical variation, residue mobility, and thermodynamic stability) performed at Invitae indicates that this missense variant is not expected to disrupt GATM protein function with a negative predictive value of 80%. In summary, the available evidence is currently insufficient to determine the role of this variant in disease. Therefore, it has been classified as a Variant of Uncertain Significance.